The following is an entry in ClinVar:

ClinVar aggregate classification (germline): Uncertain significance (1 of 4 stars; one submission).

gnomAD v4.1: 1 of 1,613,426 alleles (0.000062%); highest among the groups gnomAD compares: African/African-American, 0.0013%; no homozygotes.

Submission:

Women's Health and Genetics/Laboratory Corporation of America, LabCorp
Classification: Uncertain significance. Last evaluated: 2025-11-11. Review status: criteria provided, single submitter. Criteria: LabCorp Variant Classification Summary - May 2015. Collection method: clinical testing. Allele origin: germline.
Comment: Variant summary: LAMP1 c.62G>C (p.Gly21Ala) results in a non-conservative amino acid change in the encoded protein sequence. Algorithms developed to predict the effect of missense changes on protein structure and function are either unavailable or do not agree on the potential impact of this missense change. Several computational tools predict a significant impact on normal splicing: Three predict the variant abolishes a 3' acceptor site. One predicts the variant weakens a 3' acceptor site. However, these predictions have yet to be confirmed by functional studies. The variant was absent in 248906 control chromosomes. The available data on variant occurrences in the general population are insufficient to allow any conclusion about variant significance. To our knowledge, no occurrence of c.62G>C in individuals affected with LAMP1-related conditions and no experimental evidence demonstrating its impact on protein function have been reported. No submitters have cited clinical-significance assessments for this variant to ClinVar. Based on the evidence outlined above, the variant was classified as uncertain significance.

NM_005561.4(LAMP1):c.62G>C (p.Gly21Ala)

Gene: LAMP1 (lysosomal associated membrane protein 1; plus strand). Cytogenetic location: 13q34.
Variant type: single nucleotide variant.
Coding change: c.62G>C on transcript NM_005561.4 (MANE Select); coding-DNA position 62, G replaced by C.
Protein change: p.Gly21Ala; replaces glycine 21 with alanine.
Molecular consequence: missense variant.
Genome position (GRCh38, 1-based): chr13:113,306,485, G>C. VCF-style: chr13-113306485-G-C. GRCh37 (hg19) VCF-style: chr13-113960800-G-C.
Other names: short protein forms G21A.
Identifiers: ClinVar variation 4536831 (VCV004536831.1).
Genomic context (GRCh38, chr13:113,306,485, plus strand): 5'-ATACTCGGTCGTATTTTCTGGACAGTTTTTGATGGTCTCCGTCTTCCCTGGAATTGACAG[G>C]CCTCATGCATTGTGCGTCAGCAGCAATGTTTATGGTGAAAAATGGCAACGGGACCGCGTG-3'
Protein context (NP_005552.3, residues 11-31): LLLLLLLLLL[Gly21Ala]LMHCASAAMF